The following is an entry in ClinVar:

NM_003601.4(SMARCA5):c.23C>A (p.Pro8Gln)

Genes: SMARCA5 (SNF2 related chromatin remodeling ATPase 5; plus strand), SMARCA5-AS1 (SMARCA5 antisense RNA 1; minus strand). Cytogenetic location: 4q31.21.
Variant type: single nucleotide variant.
Coding change: c.23C>A on transcript NM_003601.4 (MANE Select); coding-DNA position 23, C replaced by A.
Protein change: p.Pro8Gln; replaces proline 8 with glutamine.
Molecular consequence: missense variant. On other transcripts: non-coding transcript variant (1).
Genome position (GRCh38, 1-based): chr4:143,513,947, C>A. VCF-style: chr4-143513947-C-A. GRCh37 (hg19) VCF-style: chr4-144435100-C-A.
Other names: short protein forms P8Q.
Identifiers: ClinVar variation 1707054 (VCV001707054.3), dbSNP rs550742639, ClinGen allele CA358323834.

ClinVar aggregate classification (germline): Uncertain significance (1 of 4 stars; one submission).

Submission:

GeneDx
Classification: Uncertain significance. Last evaluated: 2025-07-24. Review status: criteria provided, single submitter. Criteria: GeneDx Variant Classification Process June 2021. Collection method: clinical testing. Allele origin: germline. Affected: yes.
Comment: Not observed at significant frequency in large population cohorts (gnomAD); In silico analysis suggests that this missense variant does not alter protein structure/function; Has not been previously published as pathogenic or benign to our knowledge